The following is an entry in ClinVar:

ClinVar aggregate classification (germline): Uncertain significance (1 of 4 stars; one submission).

gnomAD v4.1: 20 of 1,466,886 alleles (0.0014%); highest among the groups gnomAD compares: Non-Finnish European, 0.0016%; no homozygotes.

Submission:

Women's Health and Genetics/Laboratory Corporation of America, LabCorp
Classification: Uncertain significance. Last evaluated: 2024-10-07. Review status: criteria provided, single submitter. Criteria: LabCorp Variant Classification Summary - May 2015. Collection method: clinical testing. Allele origin: germline.
Comment: Variant summary: ANKRD31 c.353T>C (p.Ile118Thr) results in a non-conservative amino acid change located in the Ankyrin repeat domain-containing protein 31 (IPR042334) of the encoded protein sequence. Four of five in-silico tools predict a benign effect of the variant on protein function. The variant allele was found at a frequency of 9e-06 in 111090 control chromosomes. The available data on variant occurrences in the general population are insufficient to allow any conclusion about variant significance. To our knowledge, no occurrence of c.353T>C in individuals affected with ANKRD31-Related Disorders and no experimental evidence demonstrating its impact on protein function have been reported. No submitters have cited clinical-significance assessments for this variant to ClinVar. Based on the evidence outlined above, the variant was classified as uncertain significance.

NM_001372053.1(ANKRD31):c.353T>C (p.Ile118Thr)

Gene: ANKRD31 (ankyrin repeat domain 31; minus strand). Cytogenetic location: 5q13.3.
Variant type: single nucleotide variant.
Coding change: c.353T>C on transcript NM_001372053.1 (MANE Select); coding-DNA position 353, T replaced by C.
Protein change: p.Ile118Thr; replaces isoleucine 118 with threonine.
Molecular consequence: missense variant.
Genome position (GRCh38, 1-based): chr5:75,206,461, A>G on the plus strand (T>C on the coding strand, the complement: ANKRD31 is on the minus strand). VCF-style: chr5-75206461-A-G. GRCh37 (hg19) VCF-style: chr5-74502286-A-G.
Other names: c.353T>C, p.Ile118Thr (NM_001164443.1); short protein forms I118T.
Identifiers: ClinVar variation 3384893 (VCV003384893.1).